The following is an entry in ClinVar:

ClinVar aggregate classification (germline): Likely pathogenic. Review status: criteria provided, multiple submitters, no conflicts (2 of 4 stars). 2 submissions from 2 submitters: Likely pathogenic (2). Last evaluated 2024-06-17.

Conditions:
Methylmalonic aciduria and homocystinuria type cblF. Also called: VITAMIN B12 LYSOSOMAL RELEASE DEFECT; VITAMIN B12 STORAGE DISEASE; COBALAMIN F DISEASE; COBALAMIN, DEFECT IN LYSOSOMAL RELEASE OF; METHYLMALONIC ACIDEMIA AND HOMOCYSTINURIA, cblF TYPE; METHYLMALONIC ACIDURIA DUE TO VITAMIN B12-RELEASE DEFECT. Identifiers: Orphanet 79284, MedGen C1848578, MONDO:0010183, OMIM 277380.

Submissions (2):

Fulgent Genetics
Classification: Likely pathogenic for Methylmalonic aciduria and homocystinuria type cblF. Last evaluated: 2024-06-17. Review status: criteria provided, single submitter. Criteria: ACMG Guidelines, 2015. Collection method: clinical testing. Allele origin: germline.

Labcorp Genetics (formerly Invitae), Labcorp
Classification: Likely pathogenic for Methylmalonic aciduria and homocystinuria type cblF. Last evaluated: 2023-12-20. Review status: criteria provided, single submitter. Criteria: Invitae Variant Classification Sherloc (09022015). Collection method: clinical testing. Allele origin: germline.
Comment: This sequence change affects an acceptor splice site in intron 8 of the LMBRD1 gene. It is expected to disrupt RNA splicing. Variants that disrupt the donor or acceptor splice site typically lead to a loss of protein function (PMID: 16199547), and loss-of-function variants in LMBRD1 are known to be pathogenic (PMID: 19136951, 21303734). This variant is not present in population databases (gnomAD no frequency). This variant has not been reported in the literature in individuals affected with LMBRD1-related conditions. Algorithms developed to predict the effect of sequence changes on RNA splicing suggest that this variant may disrupt the consensus splice site. In summary, the currently available evidence indicates that the variant is pathogenic, but additional data are needed to prove that conclusively. Therefore, this variant has been classified as Likely Pathogenic.

Literature cited by the submitters: PubMed 16199547 (cited by Labcorp Genetics (formerly Invitae), Labcorp); PubMed 19136951 (cited by Labcorp Genetics (formerly Invitae), Labcorp); PubMed 21303734 (cited by Labcorp Genetics (formerly Invitae), Labcorp).

NM_018368.4(LMBRD1):c.763-2A>G

Gene: LMBRD1 (LMBR1 domain containing 1; minus strand). Cytogenetic location: 6q13.
Variant type: single nucleotide variant.
Coding change: c.763-2A>G on transcript NM_018368.4 (MANE Select); the canonical splice acceptor site of the intron before coding-DNA position 763, A replaced by G.
Molecular consequence: splice acceptor variant.
Genome position (GRCh38, 1-based): chr6:69,713,799, T>C on the plus strand (A>G on the coding strand, the complement: LMBRD1 is on the minus strand). VCF-style: chr6-69713799-T-C. GRCh37 (hg19) VCF-style: chr6-70423691-T-C.
Other names: c.544-2A>G (NM_001367272.1, NM_001367271.1, NM_001363722.2).
Identifiers: ClinVar variation 2704508 (VCV002704508.4), dbSNP rs2481328329, ClinGen allele CA364667661.